The following is an entry in ClinVar:

NM_000153.4(GALC):c.773A>C (p.His258Pro)

Gene: GALC (galactosylceramidase; minus strand). Cytogenetic location: 14q31.3.
Variant type: single nucleotide variant.
Coding change: c.773A>C on transcript NM_000153.4 (MANE Select); coding-DNA position 773, A replaced by C.
Protein change: p.His258Pro; replaces histidine 258 with proline.
Molecular consequence: missense variant.
Genome position (GRCh38, 1-based): chr14:87,968,470, T>G on the plus strand (A>C on the coding strand, the complement: GALC is on the minus strand). VCF-style: chr14-87968470-T-G. GRCh37 (hg19) VCF-style: chr14-88434814-T-G.
Other names: c.704A>C, p.His235Pro (NM_001201401.2); c.695A>C, p.His232Pro (NM_001201402.2); short protein forms H235P, H232P, H258P.
Identifiers: ClinVar variation 1928400 (VCV001928400.5), dbSNP rs1289745535, ClinGen allele CA390748196.
Genomic context (GRCh38, chr14:87,968,470, plus strand): 5'-GTGCTAAAGTCTTCAGAAGACCAAAGCTTCTTCCCAGTCAACTTTGCATCTTTTGCTGAA[T>G]GGGTTCCAGGATAATGAGCCCTAGAAAAAAAAAGGGTGGAAGTCAATGAAAAAAGGTCAC-3'
Protein context (NP_000144.2, residues 248-268): DVIGAHYPGT[His258Pro]SAKDAKLTGK

ClinVar aggregate classification (germline): Uncertain significance (1 of 4 stars; one submission).

Conditions:
Galactosylceramide beta-galactosidase deficiency. Also called: Leukodystrophy, Globoid Cell; GALACTOCEREBROSIDASE DEFICIENCY; GALC DEFICIENCY; GLOBOID CELL LEUKOENCEPHALOPATHY; Krabbe Disease. Identifiers: Orphanet 487, MedGen C0023521, MONDO:0009499, OMIM 245200.

Submission:

Labcorp Genetics (formerly Invitae), Labcorp
Classification: Uncertain significance for Galactosylceramide beta-galactosidase deficiency. Last evaluated: 2022-07-30. Review status: criteria provided, single submitter. Criteria: Invitae Variant Classification Sherloc (09022015). Collection method: clinical testing. Allele origin: germline.
Comment: In summary, the available evidence is currently insufficient to determine the role of this variant in disease. Therefore, it has been classified as a Variant of Uncertain Significance. Advanced modeling of protein sequence and biophysical properties (such as structural, functional, and spatial information, amino acid conservation, physicochemical variation, residue mobility, and thermodynamic stability) performed at Invitae indicates that this missense variant is not expected to disrupt GALC protein function. This variant has not been reported in the literature in individuals affected with GALC-related conditions. This variant is not present in population databases (gnomAD no frequency). This sequence change replaces histidine, which is basic and polar, with proline, which is neutral and non-polar, at codon 258 of the GALC protein (p.His258Pro).